The following is an entry in ClinVar:

NM_001130987.2(DYSF):c.396C>T (p.Pro132=)

Gene: DYSF (dysferlin; plus strand). Cytogenetic location: 2p13.2.
Variant type: single nucleotide variant.
Coding change: c.396C>T on transcript NM_001130987.2 (MANE Select); coding-DNA position 396, C replaced by T.
Protein change: p.Pro132=; no amino-acid change (proline 132 retained).
Molecular consequence: synonymous variant.
Genome position (GRCh38, 1-based): chr2:71,511,857, C>T. VCF-style: chr2-71511857-C-T. GRCh37 (hg19) VCF-style: chr2-71738987-C-T.
Other names: p.Pro131=; c.396C>T, p.Pro132= (NM_001130455.2, NM_001130982.2, NM_001130983.2 and 3 more transcripts); c.393C>T, p.Pro131= (NM_001130976.2, NM_001130977.2, NM_001130978.2 and 4 more transcripts).
Identifiers: ClinVar variation 94312 (VCV000094312.32), dbSNP rs34603128, ClinGen allele CA147749.

ClinVar aggregate classification (germline): Benign/Likely benign. Review status: criteria provided, multiple submitters, no conflicts (2 of 4 stars). 14 submissions from 12 submitters: Benign (11); Likely benign (1). 2 of the submissions do not count toward it. Last evaluated 2026-02-04.

Conditions:
Neuromuscular disease caused by qualitative or quantitative defects of dysferlin. Also called: Dysferlinopathy; Qualitative or quantitative defects of dysferlin. Identifiers: Orphanet 207073, MedGen C2931687, MONDO:0016145.
Autosomal recessive limb-girdle muscular dystrophy type 2B (LGMDR2). Also called: MUSCULAR DYSTROPHY, LIMB-GIRDLE, AUTOSOMAL RECESSIVE 2; Limb-girdle muscular dystrophy, type 2B; Limb-Girdle Muscular Dystrophy Type 2B (LGMD2B); MUSCULAR DYSTROPHY, LIMB-GIRDLE, TYPE 3. Identifiers: Orphanet 268, MedGen C1850889, MONDO:0009676, OMIM 253601.
Distal myopathy with anterior tibial onset. Identifiers: Orphanet 178400, MedGen C1847532, MONDO:0011721, OMIM 606768.
Miyoshi muscular dystrophy 1 (MMD1). Identifiers: Orphanet 45448, MedGen C4551973, MONDO:0024545, OMIM 254130.

Allele frequency attached by ClinVar (database versions not stated): ExAC 0.10146; gnomAD exomes 0.10449 and 0.11742; 1000 Genomes Project 0.11222; 1000 Genomes Project 30x 0.11914; ESP Exome Variant Server 0.12891; gnomAD 0.13857 and 0.14353; TOPMed 0.14157.
gnomAD v4.1: 185,119 of 1,551,400 alleles (12%); highest among the groups gnomAD compares: African/African-American, 20%; 12,032 homozygotes.

Submissions (14):

Labcorp Genetics (formerly Invitae), Labcorp
Classification: Benign for Neuromuscular disease caused by qualitative or quantitative defects of dysferlin. Last evaluated: 2026-02-04. Review status: criteria provided, single submitter. Criteria: Invitae Variant Classification Sherloc (09022015). Collection method: clinical testing. Allele origin: germline.

Genome-Nilou Lab
Classification: Benign for Autosomal recessive limb-girdle muscular dystrophy type 2B. Last evaluated: 2021-07-30. Review status: criteria provided, single submitter. Criteria: ACMG Guidelines, 2015. Collection method: clinical testing. Allele origin: germline. Affected: no.

Genome-Nilou Lab
Classification: Benign for Distal myopathy with anterior tibial onset. Last evaluated: 2021-07-30. Review status: criteria provided, single submitter. Criteria: ACMG Guidelines, 2015. Collection method: clinical testing. Allele origin: germline. Affected: no.

Genome-Nilou Lab
Classification: Benign for Miyoshi muscular dystrophy 1. Last evaluated: 2021-06-10. Review status: criteria provided, single submitter. Criteria: ACMG Guidelines, 2015. Collection method: clinical testing. Allele origin: germline. Affected: no.

Illumina Laboratory Services, Illumina
Classification: Benign for Qualitative or quantitative defects of dysferlin. Last evaluated: 2018-01-13. Review status: criteria provided, single submitter. Criteria: ICSL Variant Classification Criteria 13 December 2019. Collection method: clinical testing. Allele origin: germline.
Comment: This variant was observed in the ICSL laboratory as part of a predisposition screen in an ostensibly healthy population. It had not been previously curated by ICSL or reported in the Human Gene Mutation Database (HGMD: prior to June 1st, 2018), and was therefore a candidate for classification through an automated scoring system. Utilizing variant allele frequency, disease prevalence and penetrance estimates, and inheritance mode, an automated score was calculated to assess if this variant is too frequent to cause the disease. Based on the score and internal cut-off values, a variant classified as benign is not then subjected to further curation. The score for this variant resulted in a classification of benign for this disease.

Mayo Clinic Laboratories, Mayo Clinic
Classification: Benign. Last evaluated: 2017-07-25. Review status: criteria provided, single submitter. Criteria: ACMG Guidelines, 2015. Collection method: clinical testing. Allele origin: germline. Observed: 275 variant alleles.

Athena Diagnostics
Classification: Benign. Last evaluated: 2017-03-13. Review status: criteria provided, single submitter. Criteria: Athena Diagnostics Criteria. Collection method: clinical testing. Allele origin: germline.

GeneDx
Classification: Benign. Last evaluated: 2016-01-30. Review status: criteria provided, single submitter. Criteria: GeneDx Variant Classification (06012015). Collection method: clinical testing. Allele origin: germline. Affected: yes.
Comment: This variant is considered likely benign or benign based on one or more of the following criteria: it is a conservative change, it occurs at a poorly conserved position in the protein, it is predicted to be benign by multiple in silico algorithms, and/or has population frequency not consistent with disease.

Eurofins Ntd Llc (ga)
Classification: Benign. Last evaluated: 2015-04-24. Review status: criteria provided, single submitter. Criteria: EGL Classification Definitions 2015. Collection method: clinical testing. Allele origin: germline. Observed: 39 variant alleles, 33 heterozygotes, 6 homozygotes.

Laboratory for Molecular Medicine, Mass General Brigham Personalized Medicine
Classification: Benign. Last evaluated: 2015-01-13. Review status: criteria provided, single submitter. Criteria: LMM Criteria. Collection method: clinical testing. Allele origin: germline. Observed: 2 variant alleles.
Comment: p.Pro132Pro in exon 5 of DYSF: This variant is not expected to have clinical sig nificance because it does not alter an amino acid residue and is not located wit hin the splice consensus sequence. It has been identified in 16.8% (663/3952) of African American chromosomes from a broad population by the NHLBI Exome Sequenc ing Project (dbSNP rs34603128).

Breakthrough Genomics
Classification: Likely benign. Review status: criteria provided, single submitter. Criteria: ACMG Guidelines, 2015. Collection method: not provided. Allele origin: germline. Inheritance: Autosomal recessive inheritance. Affected: yes.

PreventionGenetics, part of Exact Sciences
Classification: Benign. Review status: criteria provided, single submitter. Criteria: ACMG Guidelines, 2015. Collection method: clinical testing. Allele origin: germline.

Natera, Inc.
Classification: Benign for Limb-girdle muscular dystrophy type 2B. Last evaluated: 2020-09-16. Review status: no assertion criteria provided. Collection method: clinical testing. Allele origin: germline. Not counted in ClinVar's aggregate classification.

Genetic Services Laboratory, University of Chicago
Classification: Likely benign for AllHighlyPenetrant. Review status: no assertion criteria provided. Collection method: clinical testing. Allele origin: germline. Inheritance: Autosomal recessive inheritance. Not counted in ClinVar's aggregate classification.
Comment: Likely benign based on allele frequency in 1000 Genomes Project or ESP global frequency and its presence in a patient with a rare or unrelated disease phenotype. NOT Sanger confirmed.